The following is an entry in ClinVar:

ClinVar aggregate classification (germline): Uncertain significance (1 of 4 stars; one submission).

Conditions:
Dyskeratosis congenita, autosomal recessive 6 (DKCB6). Identifiers: MedGen C4225356, MONDO:0014600, OMIM 616353.
Pulmonary fibrosis and/or bone marrow failure, Telomere-related, 4. Also called: PULMONARY FIBROSIS AND/OR BONE MARROW FAILURE SYNDROME, TELOMERE-RELATED, 4. Identifiers: Orphanet 2032, MedGen C4225347, MONDO:0014612, OMIM 616371.

Submission:

Labcorp Genetics (formerly Invitae), Labcorp
Classification: Uncertain significance for Dyskeratosis congenita, autosomal recessive 6; Pulmonary fibrosis and/or bone marrow failure, Telomere-related, 4. Last evaluated: 2020-07-21. Review status: criteria provided, single submitter. Criteria: Invitae Variant Classification Sherloc (09022015). Collection method: clinical testing. Allele origin: germline.
Comment: Experimental studies and prediction algorithms are not available or were not evaluated, and the functional significance of this variant is currently unknown. In summary, the available evidence is currently insufficient to determine the role of this variant in disease. Therefore, it has been classified as a Variant of Uncertain Significance. This variant results in a copy number gain of the genomic region encompassing exon(s) 1-12 of the PARN gene, which includes the initiator codon. The 5' end of this event is unknown as it extends beyond the assayed region for this gene and therefore may encompass additional genes. The 3' boundary is likely confined to intron 12 of the PARN gene. As the precise location of this event is unknown, it may be in tandem or it may be located elsewhere in the genome. This variant has not been reported in the literature in individuals with PARN-related conditions.

NC_000016.9:g.(?_14693751)_(14724045_?)dup

Gene: PARN (poly(A)-specific ribonuclease; minus strand). Cytogenetic location: 16p13.12.
Variant type: Duplication.
Identifiers: ClinVar variation 1010851 (VCV001010851.9).